The following is an entry in ClinVar:

NM_005228.5(EGFR):c.1795G>T (p.Val599Phe)

Gene: EGFR (epidermal growth factor receptor; plus strand). Cytogenetic location: 7p11.2.
Variant type: single nucleotide variant.
Coding change: c.1795G>T on transcript NM_005228.5 (MANE Select); coding-DNA position 1795, G replaced by T.
Protein change: p.Val599Phe; replaces valine 599 with phenylalanine.
Molecular consequence: missense variant.
Genome position (GRCh38, 1-based): chr7:55,165,352, G>T. VCF-style: chr7-55165352-G-T. GRCh37 (hg19) VCF-style: chr7-55233045-G-T.
Other names: c.1660G>T, p.Val554Phe (NM_001346897.2, NM_001346899.2); c.1795G>T, p.Val599Phe (NM_001346898.2, NM_201282.2, NM_201284.2); c.1636G>T, p.Val546Phe (NM_001346900.2); c.994G>T, p.Val332Phe (NM_001346941.2); short protein forms V546F, V332F, V599F, V554F.
Identifiers: ClinVar variation 3843810 (VCV003843810.1).

ClinVar aggregate classification (germline): Uncertain significance (1 of 4 stars; one submission).

Conditions:
Hereditary cancer-predisposing syndrome. Also called: Hereditary neoplastic syndrome; Neoplastic Syndromes, Hereditary; Tumor predisposition; Hereditary Cancer Syndrome. Identifiers: Orphanet 140162, MedGen C0027672, MeSH D009386, MONDO:0015356.

Submission:

Ambry Genetics
Classification: Uncertain significance for Hereditary cancer-predisposing syndrome. Last evaluated: 2025-01-21. Review status: criteria provided, single submitter. Criteria: Ambry Variant Classification Scheme 2023. Collection method: clinical testing. Allele origin: germline.
Comment: The p.V599F variant (also known as c.1795G>T), located in coding exon 15 of the EGFR gene, results from a G to T substitution at nucleotide position 1795. The valine at codon 599 is replaced by phenylalanine, an amino acid with highly similar properties. This amino acid position is conserved. In addition, this alteration is predicted to be tolerated by in silico analysis. Based on the available evidence, the clinical significance of this variant remains unclear.